The following is an entry in ClinVar:

NM_014000.3(VCL):c.2006G>A (p.Arg669Gln)

Gene: VCL (vinculin; plus strand). Cytogenetic location: 10q22.2.
Variant type: single nucleotide variant.
Coding change: c.2006G>A on transcript NM_014000.3 (MANE Select); coding-DNA position 2006, G replaced by A.
Protein change: p.Arg669Gln; replaces arginine 669 with glutamine.
Molecular consequence: missense variant.
Genome position (GRCh38, 1-based): chr10:74,101,081, G>A. VCF-style: chr10-74101081-G-A. GRCh37 (hg19) VCF-style: chr10-75860839-G-A.
Other names: c.2006G>A, p.Arg669Gln (NM_003373.4); short protein forms R669Q.
Identifiers: ClinVar variation 300793 (VCV000300793.29), dbSNP rs759771302, ClinGen allele CA5563136.
Genomic context (GRCh38, chr10:74,101,081, plus strand): 5'-CGGTTGGTACTGCTAATAAATCAACAGTGGAAGGCATTCAGGCCTCAGTGAAGACGGCCC[G>A]AGAACTCACACCCCAGGTTGGGTTTTGCTCATTCCTCATACAGTGTTCAGTAAAGAAAGT-3'
Protein context (NP_054706.1, residues 659-679): EGIQASVKTA[Arg669Gln]ELTPQVVSAA

ClinVar aggregate classification (germline): Conflicting classifications of pathogenicity. Review status: criteria provided, conflicting classifications (1 of 4 stars). 9 submissions from 9 submitters: Uncertain significance (8); Likely benign (1). Last evaluated 2026-01-09.

Conditions:
Dilated cardiomyopathy 1W (CMD1W). Identifiers: Orphanet 154, MedGen C1969639, MONDO:0012667, OMIM 611407.
Hypertrophic cardiomyopathy 15. Identifiers: MedGen C2750459, MONDO:0013200, OMIM 613255.
VCL-related disorder. Also called: VCL-related condition.
Long QT syndrome (LQTS). Identifiers: MedGen C0023976, MeSH D008133, MONDO:0002442. Disease mechanism: loss of function. Inheritance: Various modes of inheritance.
Cardiovascular phenotype. Identifiers: MedGen CN230736.

Allele frequency attached by ClinVar (database versions not stated): TOPMed 0.00002; gnomAD 0.00003.
gnomAD v4.1: 24 of 1,613,276 alleles (0.0015%); highest among the groups gnomAD compares: Non-Finnish European, 0.0017%; no homozygotes.

Submissions (9):

Ambry Genetics
Classification: Uncertain significance for Cardiovascular phenotype. Last evaluated: 2026-01-09. Review status: criteria provided, single submitter. Criteria: Ambry Variant Classification Scheme 2023. Collection method: clinical testing. Allele origin: germline.
Comment: The p.R669Q variant (also known as c.2006G>A), located in coding exon 14 of the VCL gene, results from a G to A substitution at nucleotide position 2006. The arginine at codon 669 is replaced by glutamine, an amino acid with highly similar properties. This amino acid position is conserved. In addition, the in silico prediction for this alteration is inconclusive. Based on the available evidence, the clinical significance of this variant remains unclear.

Labcorp Genetics (formerly Invitae), Labcorp
Classification: Uncertain significance for Dilated cardiomyopathy 1W. Last evaluated: 2025-10-08. Review status: criteria provided, single submitter. Criteria: Invitae Variant Classification Sherloc (09022015). Collection method: clinical testing. Allele origin: germline.
Comment: This sequence change replaces arginine, which is basic and polar, with glutamine, which is neutral and polar, at codon 669 of the VCL protein (p.Arg669Gln). This variant is present in population databases (rs759771302, gnomAD 0.002%). This variant has not been reported in the literature in individuals affected with VCL-related conditions. ClinVar contains an entry for this variant (Variation ID: 300793). An algorithm developed to predict the effect of missense changes on protein structure and function (PolyPhen-2) suggests that this variant is likely to be disruptive. In summary, the available evidence is currently insufficient to determine the role of this variant in disease. Therefore, it has been classified as a Variant of Uncertain Significance.

PreventionGenetics, part of Exact Sciences
Classification: Uncertain significance for VCL-related condition. Last evaluated: 2025-07-02. Review status: criteria provided, single submitter. Criteria: ACMG Guidelines, 2015. Collection method: clinical testing. Allele origin: germline.
Comment: The VCL c.2006G>A variant is predicted to result in the amino acid substitution p.Arg669Gln. To our knowledge, this variant has not been reported in the literature. This variant is reported in 0.0016% of alleles in individuals of European (Non-Finnish) descent in gnomAD. At this time, the clinical significance of this variant is uncertain due to the absence of conclusive functional and genetic evidence.

Molecular Diagnostic Laboratory for Inherited Cardiovascular Disease, Montreal Heart Institute
Classification: Uncertain significance for Cardiovascular phenotype. Last evaluated: 2025-04-09. Review status: criteria provided, single submitter. Criteria: ACMG Guidelines, 2015. Collection method: clinical testing. Allele origin: germline. Affected: yes.

Dept of Medical Biology, Uskudar University
Classification: Uncertain significance for Long QT syndrome. Last evaluated: 2024-01-08. Review status: criteria provided, single submitter. Criteria: Dept of Medical Biology Variant Classification. Collection method: research. Allele origin: paternal. Affected: yes. Observed: 1 variant allele.
Comment: Criteria: PM2

Blueprint Genetics
Classification: Likely benign. Last evaluated: 2022-10-28. Review status: criteria provided, single submitter. Criteria: ACMG Guidelines, 2015. Collection method: clinical testing. Allele origin: germline.

New York Genome Center
Classification: Uncertain significance for Dilated cardiomyopathy 1W; Hypertrophic cardiomyopathy 15. Last evaluated: 2021-12-20. Review status: criteria provided, single submitter. Criteria: NYGC Assertion Criteria 2020. Collection method: clinical testing. Allele origin: germline. Observed: 1 heterozygote.
Comment: The heterozygous c.2006G>A (p.Arg669Gln) missense variant identified in the VCL gene has not been reported in affected individuals in the literature. The variant has 0.00001315 allele frequency in the gnomAD(v3) database (2 out of 152046 heterozygous alleles, no homozygotes) suggesting it is not a common benign variant in the populations represented in that database. This variant has been reported in the ClinVar database as a variant of uncertain significance [Variation ID: 300793]. The variant affects a conserved residue and multiple in silico prediction tools provide conflicting predictions about potential pathogenicity ofthis variant (CADD score = 29.8, REVEL score = 0.179). Based on the available evidence, the heterozygous c.2006G>A (p.Arg669Gln) missense variant identified inthe VCL gene is reported as a Variant of Uncertain Significance.

GeneDx
Classification: Uncertain significance. Last evaluated: 2021-04-26. Review status: criteria provided, single submitter. Criteria: GeneDx Variant Classification Process June 2021. Collection method: clinical testing. Allele origin: germline. Affected: yes.
Comment: Has not been previously published as pathogenic or benign to our knowledge; Not observed at a significant frequency in large population cohorts (Lek et al., 2016); In silico analysis, which includes protein predictors and evolutionary conservation, supports that this variant does not alter protein structure/function; Reported in ClinVar as a variant of uncertain significance (ClinVar Variant ID# 300793; Landrum et al., 2016)

Illumina Laboratory Services, Illumina
Classification: Uncertain significance for Dilated cardiomyopathy 1W. Last evaluated: 2018-01-13. Review status: criteria provided, single submitter. Criteria: ICSL Variant Classification Criteria 13 December 2019. Collection method: clinical testing. Allele origin: germline.